The following is an entry in ClinVar:

NM_004958.4(MTOR):c.7181G>C (p.Gly2394Ala)

Gene: MTOR (mechanistic target of rapamycin kinase; minus strand). Cytogenetic location: 1p36.22.
Variant type: single nucleotide variant.
Coding change: c.7181G>C on transcript NM_004958.4 (MANE Select); coding-DNA position 7181, G replaced by C.
Protein change: p.Gly2394Ala; replaces glycine 2394 with alanine.
Molecular consequence: missense variant.
Genome position (GRCh38, 1-based): chr1:11,114,437, C>G on the plus strand (G>C on the coding strand, the complement: MTOR is on the minus strand). VCF-style: chr1-11114437-C-G. GRCh37 (hg19) VCF-style: chr1-11174494-C-G.
Other names: c.7181G>C, p.Gly2394Ala (NM_001386500.1); c.5933G>C, p.Gly1978Ala (NM_001386501.1); short protein forms G2394A, G1978A.
Identifiers: ClinVar variation 2858855 (VCV002858855.3), dbSNP rs2100316934, ClinGen allele CA338381294.

ClinVar aggregate classification (germline): Uncertain significance (1 of 4 stars; one submission).

Submission:

Labcorp Genetics (formerly Invitae), Labcorp
Classification: Uncertain significance. Last evaluated: 2023-04-24. Review status: criteria provided, single submitter. Criteria: Invitae Variant Classification Sherloc (09022015). Collection method: clinical testing. Allele origin: germline.
Comment: This sequence change replaces glycine, which is neutral and non-polar, with alanine, which is neutral and non-polar, at codon 2394 of the MTOR protein (p.Gly2394Ala). This variant is not present in population databases (gnomAD no frequency). This variant has not been reported in the literature in individuals affected with MTOR-related conditions. Advanced modeling of protein sequence and biophysical properties (such as structural, functional, and spatial information, amino acid conservation, physicochemical variation, residue mobility, and thermodynamic stability) performed at Invitae indicates that this missense variant is expected to disrupt MTOR protein function. In summary, the available evidence is currently insufficient to determine the role of this variant in disease. Therefore, it has been classified as a Variant of Uncertain Significance.